The following is an entry in ClinVar:

NM_199242.3(UNC13D):c.857G>A (p.Arg286Gln)

Gene: UNC13D (unc-13 homolog D; minus strand). Cytogenetic location: 17q25.1.
Variant type: single nucleotide variant.
Coding change: c.857G>A on transcript NM_199242.3 (MANE Select); coding-DNA position 857, G replaced by A.
Protein change: p.Arg286Gln; replaces arginine 286 with glutamine.
Molecular consequence: missense variant.
Genome position (GRCh38, 1-based): chr17:75,840,226, C>T on the plus strand (G>A on the coding strand, the complement: UNC13D is on the minus strand). VCF-style: chr17-75840226-C-T. GRCh37 (hg19) VCF-style: chr17-73836307-C-T.
Other names: p.Arg286Gln; short protein forms R286Q.
Identifiers: ClinVar variation 835897 (VCV000835897.7), dbSNP rs139155193, ClinGen allele CA8773258.

ClinVar aggregate classification (germline): Uncertain significance. Review status: criteria provided, multiple submitters, no conflicts (2 of 4 stars). 3 submissions from 3 submitters: Uncertain significance (3). Last evaluated 2025-12-15.

Conditions:
Familial hemophagocytic lymphohistiocytosis 3 (FHL3). Also called: UNC13D-Related Familial Hemophagocytic Lymphohistiocytosis (UNC13D-fHLH). Identifiers: Orphanet 540, MedGen C1837174, MONDO:0012146, OMIM 608898.
Inborn genetic diseases. Identifiers: MedGen C0950123, MeSH D030342.

Allele frequency attached by ClinVar (database versions not stated): gnomAD 0.00005; ESP Exome Variant Server 0.00008; ExAC 0.00003; TOPMed 0.00004.

Submissions (3):

Labcorp Genetics (formerly Invitae), Labcorp
Classification: Uncertain significance for Familial hemophagocytic lymphohistiocytosis 3. Last evaluated: 2025-12-15. Review status: criteria provided, single submitter. Criteria: Invitae Variant Classification Sherloc (09022015). Collection method: clinical testing. Allele origin: germline.
Comment: This sequence change replaces arginine, which is basic and polar, with glutamine, which is neutral and polar, at codon 286 of the UNC13D protein (p.Arg286Gln). This variant is present in population databases (rs139155193, gnomAD 0.01%). This variant has not been reported in the literature in individuals affected with UNC13D-related conditions. ClinVar contains an entry for this variant (Variation ID: 835897). An algorithm developed to predict the effect of missense changes on protein structure and function (PolyPhen-2) suggests that this variant is likely to be tolerated. In summary, the available evidence is currently insufficient to determine the role of this variant in disease. Therefore, it has been classified as a Variant of Uncertain Significance.

Mayo Clinic Laboratories, Mayo Clinic
Classification: Uncertain significance. Last evaluated: 2025-05-26. Review status: criteria provided, single submitter. Criteria: ACMG Guidelines, 2015. Collection method: clinical testing. Allele origin: germline. Observed: 1 variant allele.
Comment: BP4_moderate

Ambry Genetics
Classification: Uncertain significance for Inborn genetic diseases. Last evaluated: 2024-01-19. Review status: criteria provided, single submitter. Criteria: Ambry Variant Classification Scheme 2023. Collection method: clinical testing. Allele origin: germline.